The following is an entry in ClinVar:

ClinVar aggregate classification (germline): not provided (0 of 4 stars; one submission).

Submission:

ITMI
No classification provided. Condition: AllHighlyPenetrant. Last evaluated: 2013-09-19. Review status: no classification provided. Collection method: reference population. Allele origin: germline.
Comment: Please see associated publication for description of ethnicities

Literature cited by the submitters: PubMed 24728327.

NM_001190274.2(FBXO11):c.2227+50_2227+52del

Gene: FBXO11 (F-box protein 11; minus strand). Cytogenetic location: 2p16.3.
Variant type: Microsatellite.
Coding change: c.2227+50_2227+52del on transcript NM_001190274.2 (MANE Select); bases 50 to 52 of the intron after coding-DNA position 2227, 3 bases deleted (TTC; older notation c.2227+50_2227+52delTTC).
Molecular consequence: intron variant.
Genome position (GRCh38, 1-based): chr2:47,813,182-47,813,184, GAA deleted on the plus strand (TTC on the coding strand, the reverse complement: FBXO11 is on the minus strand); deleting any 3 consecutive bases within chr2:47,813,182-47,813,187 gives the same sequence; the c. name uses the placement nearest the transcript's 3' end. VCF-style (leftmost placement, unchanged base first): chr2-47813181-GGAA-G. GRCh37 (hg19) VCF-style: chr2-48040320-GGAA-G.
Other names: c.1975+50_1975+52del (NM_001374325.1, NM_025133.4).
Identifiers: ClinVar variation 135546 (VCV000135546.1), dbSNP rs587777947, ClinGen allele CA163003.